The following is an entry in ClinVar:

NM_144997.7(FLCN):c.589A>G (p.Ile197Val)

Gene: FLCN (folliculin; minus strand). Cytogenetic location: 17p11.2.
Variant type: single nucleotide variant.
Coding change: c.589A>G on transcript NM_144997.7 (MANE Select); coding-DNA position 589, A replaced by G.
Protein change: p.Ile197Val; replaces isoleucine 197 with valine.
Molecular consequence: missense variant.
Genome position (GRCh38, 1-based): chr17:17,223,951, T>C on the plus strand (A>G on the coding strand, the complement: FLCN is on the minus strand). VCF-style: chr17-17223951-T-C. GRCh37 (hg19) VCF-style: chr17-17127265-T-C.
Other names: c.589A>G (LRG_325t1); c.643A>G, p.Ile215Val (NM_001353229.2); c.589A>G, p.Ile197Val (NM_001353230.2, NM_001353231.2, NM_144606.7); short protein forms I197V, I215V.
Identifiers: ClinVar variation 575171 (VCV000575171.7), dbSNP rs1288802432, ClinGen allele CA398534231.
Genomic context (GRCh38, chr17:17,223,951, plus strand): 5'-TGCCGCCCCGGCACCTCATCTCTGAATTCACCTTGAGCGCCTTGCCCTGGAGCTCATCGA[T>C]GATTCCCCGGACCTTCCCCAGCAGGAAGGGCCAGGAGTTGATGAGGTAGATCCGGTCCAT-3'
Protein context (NP_659434.2, residues 187-207): PFLLGKVRGI[Ile197Val]DELQGKALKV

ClinVar aggregate classification (germline): Uncertain significance. Review status: criteria provided, multiple submitters, no conflicts (2 of 4 stars). 2 submissions from 2 submitters: Uncertain significance (2). Last evaluated 2025-12-18.

Conditions:
Hereditary cancer-predisposing syndrome. Also called: Neoplastic Syndromes, Hereditary; Hereditary neoplastic syndrome; Tumor predisposition; Hereditary Cancer Syndrome. Identifiers: Orphanet 140162, MedGen C0027672, MeSH D009386, MONDO:0015356.
Birt-Hogg-Dube syndrome. Also called: Birt Hogg Dubé syndrome. Identifiers: Orphanet 122, MedGen C0346010, MONDO:0800444.

Allele frequency attached by ClinVar (database versions not stated): TOPMed below 0.00001; gnomAD 0.00001.
gnomAD v4.1: 1 of 1,613,322 alleles (0.000062%); highest among the groups gnomAD compares: East Asian, 0.0022%; no homozygotes.

Submissions (2):

Ambry Genetics
Classification: Uncertain significance for Hereditary cancer-predisposing syndrome. Last evaluated: 2025-12-18. Review status: criteria provided, single submitter. Criteria: Ambry Variant Classification Scheme 2023. Collection method: clinical testing. Allele origin: germline.
Comment: The p.I197V variant (also known as c.589A>G), located in coding exon 3 of the FLCN gene, results from an A to G substitution at nucleotide position 589. The isoleucine at codon 197 is replaced by valine, an amino acid with highly similar properties. This amino acid position is highly conserved in available vertebrate species. In addition, the in silico prediction for this alteration is inconclusive. Based on the available evidence, the clinical significance of this variant remains unclear.

Labcorp Genetics (formerly Invitae), Labcorp
Classification: Uncertain significance for Birt-Hogg-Dube syndrome. Last evaluated: 2024-03-12. Review status: criteria provided, single submitter. Criteria: Invitae Variant Classification Sherloc (09022015). Collection method: clinical testing. Allele origin: germline.
Comment: This sequence change replaces isoleucine, which is neutral and non-polar, with valine, which is neutral and non-polar, at codon 197 of the FLCN protein (p.Ile197Val). This variant is not present in population databases (gnomAD no frequency). This variant has not been reported in the literature in individuals affected with FLCN-related conditions. ClinVar contains an entry for this variant (Variation ID: 575171). Advanced modeling of protein sequence and biophysical properties (such as structural, functional, and spatial information, amino acid conservation, physicochemical variation, residue mobility, and thermodynamic stability) performed at Invitae indicates that this missense variant is not expected to disrupt FLCN protein function with a negative predictive value of 80%. In summary, the available evidence is currently insufficient to determine the role of this variant in disease. Therefore, it has been classified as a Variant of Uncertain Significance.